The following is an entry in ClinVar:

NM_004974.4(KCNA2):c.*10A>G

Gene: KCNA2 (potassium voltage-gated channel subfamily A member 2; minus strand). Cytogenetic location: 1p13.3.
Variant type: single nucleotide variant.
Coding change: c.*10A>G on transcript NM_004974.4 (MANE Select); 10 bases downstream of the stop codon, A replaced by G.
Molecular consequence: 3 prime UTR variant. On other transcripts: intron variant (1).
Genome position (GRCh38, 1-based): chr1:110,603,273, T>C on the plus strand (A>G on the coding strand, the complement: KCNA2 is on the minus strand). VCF-style: chr1-110603273-T-C. GRCh37 (hg19) VCF-style: chr1-111145895-T-C.
Other names: c.894+616A>G (NM_001204269.2).
Identifiers: ClinVar variation 1207194 (VCV001207194.7), dbSNP rs375690274, ClinGen allele CA1000617.

ClinVar aggregate classification (germline): Likely benign. Review status: criteria provided, multiple submitters, no conflicts (2 of 4 stars). 3 submissions from 3 submitters: Likely benign (3). Last evaluated 2022-07-27.

Allele frequency attached by ClinVar (database versions not stated): gnomAD exomes 0.00003; ExAC 0.00004; gnomAD 0.00013 and 0.00014; TOPMed 0.00014; ESP Exome Variant Server 0.00015.
gnomAD v4.1: 61 of 1,591,320 alleles (0.0038%); highest among the groups gnomAD compares: Middle Eastern, 0.084%; no homozygotes.

Submissions (3):

GeneDx
Classification: Likely benign. Last evaluated: 2022-07-27. Review status: criteria provided, single submitter. Criteria: GeneDx Variant Classification Process June 2021. Collection method: clinical testing. Allele origin: germline. Affected: yes.
Comment: See Variant Classification Assertion Criteria.

Blueprint Genetics
Classification: Likely benign. Last evaluated: 2021-10-28. Review status: criteria provided, single submitter. Criteria: ACMG Guidelines, 2015. Collection method: clinical testing. Allele origin: germline.

Breakthrough Genomics
Classification: Likely benign. Review status: criteria provided, single submitter. Criteria: ACMG Guidelines, 2015. Collection method: not provided. Allele origin: germline. Inheritance: Autosomal dominant inheritance. Affected: yes.